The following is an entry in ClinVar:

ClinVar aggregate classification (germline): Conflicting classifications of pathogenicity. Review status: criteria provided, conflicting classifications (1 of 4 stars). 4 submissions from 4 submitters: Uncertain significance (3); Likely benign (1). Last evaluated 2024-02-07.

Conditions:
Joubert syndrome 14 (JBTS14). Identifiers: MedGen C3280766, MONDO:0013745, OMIM 614424.

Allele frequency attached by ClinVar (database versions not stated): gnomAD exomes 0.00004 and 0.00013; ExAC 0.00021; 1000 Genomes Project 0.00040; ESP Exome Variant Server 0.00042; TOPMed 0.00056; gnomAD 0.00058 and 0.00063; 1000 Genomes Project 30x 0.00062.
gnomAD v4.1: 143 of 1,596,622 alleles (0.009%); highest among the groups gnomAD compares: African/African-American, 0.15%; no homozygotes.

Submissions (4):

Blueprint Genetics
Classification: Likely benign. Last evaluated: 2024-02-07. Review status: criteria provided, single submitter. Criteria: ACMG Guidelines, 2015. Collection method: clinical testing. Allele origin: germline.

Labcorp Genetics (formerly Invitae), Labcorp
Classification: Uncertain significance for Joubert syndrome 14. Last evaluated: 2022-10-25. Review status: criteria provided, single submitter. Criteria: Invitae Variant Classification Sherloc (09022015). Collection method: clinical testing. Allele origin: germline.
Comment: This sequence change replaces isoleucine, which is neutral and non-polar, with valine, which is neutral and non-polar, at codon 291 of the TMEM237 protein (p.Ile291Val). This variant is present in population databases (rs202130417, gnomAD 0.2%). This variant has not been reported in the literature in individuals affected with TMEM237-related conditions. ClinVar contains an entry for this variant (Variation ID: 193617). Algorithms developed to predict the effect of missense changes on protein structure and function output the following: SIFT: "Tolerated"; PolyPhen-2: "Benign"; Align-GVGD: "Class C0". The valine amino acid residue is found in multiple mammalian species, which suggests that this missense change does not adversely affect protein function. In summary, the available evidence is currently insufficient to determine the role of this variant in disease. Therefore, it has been classified as a Variant of Uncertain Significance.

GeneDx
Classification: Uncertain significance. Last evaluated: 2019-12-24. Review status: criteria provided, single submitter. Criteria: GeneDx Variant Classification Process June 2021. Collection method: clinical testing. Allele origin: germline. Affected: yes.
Comment: In silico analysis, which includes protein predictors and evolutionary conservation, supports that this variant does not alter protein structure/function; Has not been previously published as pathogenic or benign to our knowledge

Eurofins Ntd Llc (ga)
Classification: Uncertain significance. Last evaluated: 2015-03-06. Review status: criteria provided, single submitter. Criteria: EGL Classification Definitions 2015. Collection method: clinical testing. Allele origin: germline. Observed: 1 variant allele, 1 heterozygote.

NM_001044385.3(TMEM237):c.871A>G (p.Ile291Val)

Gene: TMEM237 (transmembrane protein 237; minus strand). Cytogenetic location: 2q33.1.
Variant type: single nucleotide variant.
Coding change: c.871A>G on transcript NM_001044385.3 (MANE Select); coding-DNA position 871, A replaced by G.
Protein change: p.Ile291Val; replaces isoleucine 291 with valine.
Molecular consequence: missense variant.
Genome position (GRCh38, 1-based): chr2:201,628,148, T>C on the plus strand (A>G on the coding strand, the complement: TMEM237 is on the minus strand). VCF-style: chr2-201628148-T-C. GRCh37 (hg19) VCF-style: chr2-202492871-T-C.
Other names: c.847A>G, p.Ile283Val (NM_152388.4); short protein forms I283V, I291V.
Identifiers: ClinVar variation 193617 (VCV000193617.12), dbSNP rs202130417, ClinGen allele CA239173.